The following is an entry in ClinVar:

ClinVar aggregate classification (germline): Pathogenic (1 of 4 stars; one submission).

Conditions:
PMM2-congenital disorder of glycosylation. Also called: JAEKEN SYNDROME; PHOSPHOMANNOMUTASE 2 DEFICIENCY; CARBOHYDRATE-DEFICIENT GLYCOPROTEIN SYNDROME, TYPE Ia; CDG Ia; PMM2-CDG; Congenital disorder of glycosylation, type Ia. Identifiers: Orphanet 79318, MedGen C0349653, MONDO:0008907, OMIM 212065.

Submission:

Labcorp Genetics (formerly Invitae), Labcorp
Classification: Pathogenic for PMM2-congenital disorder of glycosylation. Last evaluated: 2023-02-18. Review status: criteria provided, single submitter. Criteria: Invitae Variant Classification Sherloc (09022015). Collection method: clinical testing. Allele origin: germline.
Comment: For these reasons, this variant has been classified as Pathogenic. Algorithms developed to predict the effect of sequence changes on RNA splicing suggest that this variant may disrupt the consensus splice site. ClinVar contains an entry for this variant (Variation ID: 1358766). This variant has not been reported in the literature in individuals affected with PMM2-related conditions. This variant is not present in population databases (gnomAD no frequency). This sequence change creates a premature translational stop signal (p.Glu151*) in the PMM2 gene. It is expected to result in an absent or disrupted protein product. Loss-of-function variants in PMM2 are known to be pathogenic (PMID: 19862844).

Literature cited by the submitters: PubMed 19862844.

NM_000303.3(PMM2):c.451G>T (p.Glu151Ter)

Gene: PMM2 (phosphomannomutase 2; plus strand). Cytogenetic location: 16p13.2.
Variant type: single nucleotide variant.
Coding change: c.451G>T on transcript NM_000303.3 (MANE Select); coding-DNA position 451, G replaced by T.
Protein change: p.Glu151Ter; replaces glutamic acid 151 with a stop codon.
Molecular consequence: nonsense.
Genome position (GRCh38, 1-based): chr16:8,811,641, G>T. VCF-style: chr16-8811641-G-T. GRCh37 (hg19) VCF-style: chr16-8905498-G-T.
Other names: short protein forms E151*.
Identifiers: ClinVar variation 1358766 (VCV001358766.6), dbSNP rs2141023340, ClinGen allele CA394696834.
Genomic context (GRCh38, chr16:8,811,641, plus strand): 5'-ACTGTGCTTTCTAAACTGCAATACAAGAAACAATTGGTATCTTTTTGTTTTTCTCAGAAA[G>T]AAAATATAAGACAAAAGTTTGTAGCAGATCTACGGAAAGAGTTTGCTGGAAAAGGCCTCA-3'